The following is an entry in ClinVar:

NM_004655.4(AXIN2):c.325G>C (p.Asp109His)

Gene: AXIN2 (axin 2; minus strand). Cytogenetic location: 17q24.1.
Variant type: single nucleotide variant.
Coding change: c.325G>C on transcript NM_004655.4 (MANE Select); coding-DNA position 325, G replaced by C.
Protein change: p.Asp109His; replaces aspartic acid 109 with histidine.
Molecular consequence: missense variant.
Genome position (GRCh38, 1-based): chr17:65,558,296, C>G on the plus strand (G>C on the coding strand, the complement: AXIN2 is on the minus strand). VCF-style: chr17-65558296-C-G. GRCh37 (hg19) VCF-style: chr17-63554414-C-G.
Other names: c.325G>C, p.Asp109His (NM_001363813.1); short protein forms D109H.
Identifiers: ClinVar variation 5032647 (VCV005032647.1).

ClinVar aggregate classification (germline): Uncertain significance (1 of 4 stars; one submission).

Conditions:
Hereditary cancer-predisposing syndrome. Also called: Neoplastic Syndromes, Hereditary; Tumor predisposition; Hereditary neoplastic syndrome; Hereditary Cancer Syndrome. Identifiers: Orphanet 140162, MedGen C0027672, MeSH D009386, MONDO:0015356.

Submission:

Ambry Genetics
Classification: Uncertain significance for Hereditary cancer-predisposing syndrome. Last evaluated: 2026-07-07. Review status: criteria provided, single submitter. Criteria: Ambry Variant Classification Scheme 2023. Collection method: clinical testing. Allele origin: germline.
Comment: The p.D109H variant (also known as c.325G>C), located in coding exon 1 of the AXIN2 gene, results from a G to C substitution at nucleotide position 325. The aspartic acid at codon 109 is replaced by histidine, an amino acid with similar properties. This amino acid position is conserved. In addition, the in silico prediction for this alteration is inconclusive. Based on the available evidence, the clinical significance of this variant remains unclear.